The following is an entry in ClinVar:

NM_001378454.1(ALMS1):c.5553C>A (p.Tyr1851Ter)

Gene: ALMS1 (ALMS1 centrosome and basal body associated protein; plus strand). Cytogenetic location: 2p13.1.
Variant type: single nucleotide variant.
Coding change: c.5553C>A on transcript NM_001378454.1 (MANE Select); coding-DNA position 5553, C replaced by A.
Protein change: p.Tyr1851Ter; replaces tyrosine 1851 with a stop codon.
Molecular consequence: nonsense.
Genome position (GRCh38, 1-based): chr2:73,452,080, C>A. VCF-style: chr2-73452080-C-A. GRCh37 (hg19) VCF-style: chr2-73679207-C-A.
Other names: c.5556C>A, p.Tyr1852Ter (NM_015120.4); short protein forms Y1851*, Y1852*.
Identifiers: ClinVar variation 1726779 (VCV001726779.2), dbSNP rs1467749660, ClinGen allele CA347282534.

ClinVar aggregate classification (germline): Likely pathogenic (1 of 4 stars; one submission).

Conditions:
Alstrom syndrome (ALMS). Identifiers: Orphanet 64, MedGen C0268425, MONDO:0008763, OMIM 203800.

Submission:

Myriad Genetics, Inc.
Classification: Likely pathogenic for Alstrom syndrome. Last evaluated: 2022-01-02. Review status: criteria provided, single submitter. Criteria: Myriad Women's Health Autosomal Recessive and X-Linked Classification Criteria (2021). Collection method: clinical testing. Allele origin: unknown.
Comment: NM_015120.4(ALMS1):c.5556C>A(Y1852*) is expected to be pathogenic in the context of Alstrom syndrome. This variant is predicted to lead to an abnormal or absent protein product due to the creation of a premature termination codon in ALMS1, a gene where loss-of-function variants are known to be pathogenic. Please note: this variant was assessed in the context of healthy population screening.